The following is an entry in ClinVar:

NM_000093.5(COL5A1):c.5051A>G (p.Asp1684Gly)

Genes: COL5A1 (collagen type V alpha 1 chain; plus strand), LOC101448202 (uncharacterized LOC101448202; minus strand). Cytogenetic location: 9q34.3.
Variant type: single nucleotide variant.
Coding change: c.5051A>G on transcript NM_000093.5 (MANE Select); coding-DNA position 5051, A replaced by G.
Protein change: p.Asp1684Gly; replaces aspartic acid 1684 with glycine.
Molecular consequence: missense variant.
Genome position (GRCh38, 1-based): chr9:134,825,888, A>G. VCF-style: chr9-134825888-A-G. GRCh37 (hg19) VCF-style: chr9-137717734-A-G.
Other names: c.5051A>G, p.Asp1684Gly (NM_001278074.1); short protein forms D1684G.
Identifiers: ClinVar variation 4746356 (VCV004746356.1).

ClinVar aggregate classification (germline): Uncertain significance (1 of 4 stars; one submission).

Conditions:
Ehlers-Danlos syndrome, classic type, 1 (EDSCL1). Also called: EHLERS-DANLOS SYNDROME, GRAVIS TYPE; EHLERS-DANLOS SYNDROME, SEVERE CLASSIC TYPE; Ehlers-Danlos syndrome, type 1; Ehlers-Danlos Syndrome, Classic Type, COL5A1-Related; EDS I. Identifiers: MedGen C0268335, MONDO:0019567, OMIM 130000.

Submission:

Labcorp Genetics (formerly Invitae), Labcorp
Classification: Uncertain significance for Ehlers-Danlos syndrome, classic type, 1. Last evaluated: 2025-03-23. Review status: criteria provided, single submitter. Criteria: Invitae Variant Classification Sherloc (09022015). Collection method: clinical testing. Allele origin: germline.
Comment: This sequence change replaces aspartic acid, which is acidic and polar, with glycine, which is neutral and non-polar, at codon 1684 of the COL5A1 protein (p.Asp1684Gly). This variant is not present in population databases (gnomAD no frequency). This variant has not been reported in the literature in individuals affected with COL5A1-related conditions. Invitae Evidence Modeling of protein sequence and biophysical properties (such as structural, functional, and spatial information, amino acid conservation, physicochemical variation, residue mobility, and thermodynamic stability) indicates that this missense variant is not expected to disrupt COL5A1 protein function with a negative predictive value of 80%. In summary, the available evidence is currently insufficient to determine the role of this variant in disease. Therefore, it has been classified as a Variant of Uncertain Significance.